The following is an entry in ClinVar:

NM_020207.7(ERCC6L2):c.1778T>A (p.Val593Asp)

Gene: ERCC6L2 (ERCC excision repair 6 like 2; plus strand). Cytogenetic location: 9q22.32.
Variant type: single nucleotide variant.
Coding change: c.1778T>A on transcript NM_020207.7 (MANE Select); coding-DNA position 1778, T replaced by A.
Protein change: p.Val593Asp; replaces valine 593 with aspartic acid.
Molecular consequence: missense variant. On other transcripts: non-coding transcript variant (1).
Genome position (GRCh38, 1-based): chr9:95,941,480, T>A. VCF-style: chr9-95941480-T-A. GRCh37 (hg19) VCF-style: chr9-98703762-T-A.
Other names: c.1778T>A, p.Val593Asp (NM_001010895.4, NM_001375291.1, NM_001375292.1 and 2 more transcripts); short protein forms V593D.
Identifiers: ClinVar variation 4618777 (VCV004618777.1).

ClinVar aggregate classification (germline): Uncertain significance (1 of 4 stars; one submission).

Conditions:
Inborn genetic diseases. Identifiers: MedGen C0950123, MeSH D030342.

gnomAD v4.1: 6 of 1,613,210 alleles (0.00037%); highest among the groups gnomAD compares: Non-Finnish European, 0.00051%; no homozygotes.

Submission:

Ambry Genetics
Classification: Uncertain significance for Inborn genetic diseases. Last evaluated: 2025-12-03. Review status: criteria provided, single submitter. Criteria: Ambry Variant Classification Scheme 2023. Collection method: clinical testing. Allele origin: germline.
Comment: The p.V593D variant (also known as c.1778T>A), located in coding exon 12 of the ERCC6L2 gene, results from a T to A substitution at nucleotide position 1778. The valine at codon 593 is replaced by aspartic acid, an amino acid with highly dissimilar properties. This amino acid position is conserved. In addition, the in silico prediction for this alteration is inconclusive. Based on the available evidence, the clinical significance of this variant remains unclear.